The following is an entry in ClinVar:

ClinVar aggregate classification (germline): Conflicting classifications of pathogenicity. Review status: criteria provided, conflicting classifications (1 of 4 stars). 3 submissions from 3 submitters: Uncertain significance (2); Likely benign (1). Last evaluated 2025-10-06.

Conditions:
CACNA1F-related disorder. Also called: CACNA1F-related condition.

Allele frequency attached by ClinVar (database versions not stated): gnomAD 0.00006 and 0.00008; TOPMed 0.00009; gnomAD exomes 0.00011; ExAC 0.00015.

Submissions (3):

Labcorp Genetics (formerly Invitae), Labcorp
Classification: Uncertain significance. Last evaluated: 2025-10-06. Review status: criteria provided, single submitter. Criteria: Invitae Variant Classification Sherloc (09022015). Collection method: clinical testing. Allele origin: germline.
Comment: This sequence change replaces arginine, which is basic and polar, with histidine, which is basic and polar, at codon 509 of the CACNA1F protein (p.Arg509His). This variant is present in population databases (rs782740156, gnomAD 0.02%). This variant has not been reported in the literature in individuals affected with CACNA1F-related conditions. ClinVar contains an entry for this variant (Variation ID: 1057063). An algorithm developed to predict the effect of missense changes on protein structure and function outputs the following: PolyPhen-2: "Possibly Damaging". The histidine amino acid residue is found in multiple mammalian species, which suggests that this missense change does not adversely affect protein function. In summary, the available evidence is currently insufficient to determine the role of this variant in disease. Therefore, it has been classified as a Variant of Uncertain Significance.

PreventionGenetics, part of Exact Sciences
Classification: Uncertain significance for CACNA1F-related condition. Last evaluated: 2025-02-14. Review status: criteria provided, single submitter. Criteria: ACMG Guidelines, 2015. Collection method: clinical testing. Allele origin: germline.
Comment: The CACNA1F c.1526G>A variant is predicted to result in the amino acid substitution p.Arg509His. To our knowledge, this variant has not been reported in the literature. This variant is reported in 0.017% of alleles in individuals of European (Non-Finnish) descent in gnomAD. At this time, the clinical significance of this variant is uncertain due to the absence of conclusive functional and genetic evidence.

Blueprint Genetics
Classification: Likely benign. Last evaluated: 2022-08-25. Review status: criteria provided, single submitter. Criteria: ACMG Guidelines, 2015. Collection method: clinical testing. Allele origin: germline.

NM_001256789.3(CACNA1F):c.1493G>A (p.Arg498His)

Gene: CACNA1F (calcium voltage-gated channel subunit alpha1 F; minus strand). Cytogenetic location: Xp11.23.
Variant type: single nucleotide variant.
Coding change: c.1493G>A on transcript NM_001256789.3 (MANE Select); coding-DNA position 1493, G replaced by A.
Protein change: p.Arg498His; replaces arginine 498 with histidine.
Molecular consequence: missense variant.
Genome position (GRCh38, 1-based): chrX:49,226,067, C>T on the plus strand (G>A on the coding strand, the complement: CACNA1F is on the minus strand). VCF-style: chrX-49226067-C-T. GRCh37 (hg19) VCF-style: chrX-49082529-C-T.
Other names: c.1331G>A, p.Arg444His (NM_001256790.3); c.1526G>A, p.Arg509His (NM_005183.4); c.1526G>A (NM_005183.3); short protein forms R444H, R498H, R509H.
Identifiers: ClinVar variation 1057063 (VCV001057063.12), dbSNP rs782740156, ClinGen allele CA10410842.